The following is an entry in ClinVar:

NM_001322934.2(NFKB2):c.1058G>A (p.Gly353Asp)

Gene: NFKB2 (nuclear factor kappa B subunit 2; plus strand). Cytogenetic location: 10q24.32.
Variant type: single nucleotide variant.
Coding change: c.1058G>A on transcript NM_001322934.2 (MANE Select); coding-DNA position 1058, G replaced by A.
Protein change: p.Gly353Asp; replaces glycine 353 with aspartic acid.
Molecular consequence: missense variant. On other transcripts: intron variant (1).
Genome position (GRCh38, 1-based): chr10:102,398,805, G>A. VCF-style: chr10-102398805-G-A. GRCh37 (hg19) VCF-style: chr10-104158562-G-A.
Other names: c.1058G>A, p.Gly353Asp (NM_001077494.3, NM_001261403.3, NM_001288724.1 and 1 more transcripts); c.991+282G>A (NM_001322935.1); short protein forms G353D.
Identifiers: ClinVar variation 3728588 (VCV003728588.2).

ClinVar aggregate classification (germline): Uncertain significance (1 of 4 stars; one submission).

Conditions:
Immunodeficiency, common variable, 10. Also called: IMMUNODEFICIENCY, COMMON VARIABLE, WITH CENTRAL ADRENAL INSUFFICIENCY; DEFICIT IN ANTERIOR PITUITARY FUNCTION AND VARIABLE IMMUNODEFICIENCY. Identifiers: MedGen C3809991, MONDO:0014260, OMIM 615577.

Submission:

Labcorp Genetics (formerly Invitae), Labcorp
Classification: Uncertain significance for Immunodeficiency, common variable, 10. Last evaluated: 2025-01-07. Review status: criteria provided, single submitter. Criteria: Invitae Variant Classification Sherloc (09022015). Collection method: clinical testing. Allele origin: germline.
Comment: This sequence change replaces glycine, which is neutral and non-polar, with aspartic acid, which is acidic and polar, at codon 353 of the NFKB2 protein (p.Gly353Asp). This variant is not present in population databases (gnomAD no frequency). This variant has not been reported in the literature in individuals affected with NFKB2-related conditions. An algorithm developed to predict the effect of missense changes on protein structure and function (PolyPhen-2) suggests that this variant is likely to be disruptive. In summary, the available evidence is currently insufficient to determine the role of this variant in disease. Therefore, it has been classified as a Variant of Uncertain Significance.